The following is an entry in ClinVar:

ClinVar aggregate classification (germline): Benign/Likely benign. Review status: criteria provided, multiple submitters, no conflicts (2 of 4 stars). 8 submissions from 7 submitters: Benign (2); Likely benign (5). 1 of the submissions does not count toward it. Last evaluated 2026-06-09.

Conditions:
KCNT1-related disorder. Also called: KCNT1-related condition.
Developmental and epileptic encephalopathy, 14 (DEE14). Also called: Early infantile epileptic encephalopathy 14. Identifiers: Orphanet 293181, MedGen C3554195, MONDO:0013989, OMIM 614959.
Autosomal dominant nocturnal frontal lobe epilepsy 5. Also called: Epilepsy, nocturnal frontal lobe, 5; KCNT1-Related Epilepsy; CILIARY DYSKINESIA, PRIMARY, 28, WITHOUT SITUS INVERSUS; CILIARY DYSKINESIA, PRIMARY, 28, WITH SITUS INVERSUS. Identifiers: Orphanet 98784, MedGen C3554306, MONDO:0014002, OMIM 615005.

Allele frequency attached by ClinVar (database versions not stated): 1000 Genomes Project 0.00140; ESP Exome Variant Server 0.00123; gnomAD exomes 0.00028 and 0.00010; TOPMed 0.00102; ExAC 0.00031; gnomAD 0.00086 and 0.00088; 1000 Genomes Project 30x 0.00172.
gnomAD v4.1: 283 of 1,612,950 alleles (0.018%); highest among the groups gnomAD compares: African/African-American, 0.35%; 1 homozygote.

Submissions (8):

Women's Health and Genetics/Laboratory Corporation of America, LabCorp
Classification: Likely benign. Last evaluated: 2026-06-09. Review status: criteria provided, single submitter. Criteria: LabCorp Variant Classification Summary - May 2015. Collection method: clinical testing. Allele origin: germline.

Labcorp Genetics (formerly Invitae), Labcorp
Classification: Benign for Autosomal dominant nocturnal frontal lobe epilepsy 5; Developmental and epileptic encephalopathy, 14. Last evaluated: 2026-01-19. Review status: criteria provided, single submitter. Criteria: Invitae Variant Classification Sherloc (09022015). Collection method: clinical testing. Allele origin: germline.

Genome-Nilou Lab
Classification: Likely benign for Developmental and epileptic encephalopathy, 14. Last evaluated: 2022-03-15. Review status: criteria provided, single submitter. Criteria: ACMG Guidelines, 2015. Collection method: clinical testing. Allele origin: germline. Affected: no.

Genome-Nilou Lab
Classification: Likely benign for Autosomal dominant nocturnal frontal lobe epilepsy 5. Last evaluated: 2022-03-15. Review status: criteria provided, single submitter. Criteria: ACMG Guidelines, 2015. Collection method: clinical testing. Allele origin: germline. Affected: no.

GeneDx
Classification: Likely benign. Last evaluated: 2020-12-02. Review status: criteria provided, single submitter. Criteria: GeneDx Variant Classification Process June 2021. Collection method: clinical testing. Allele origin: germline. Affected: yes.

Eurofins Ntd Llc (ga)
Classification: Likely benign. Last evaluated: 2016-01-14. Review status: criteria provided, single submitter. Criteria: EGL Classification Definitions 2015. Collection method: clinical testing. Allele origin: germline. Observed: 1 variant allele, 1 heterozygote.

Genetic Services Laboratory, University of Chicago
Classification: Benign. Last evaluated: 2016-01-07. Review status: criteria provided, single submitter. Criteria: ACMG Guidelines, 2015. Collection method: clinical testing. Allele origin: germline. Affected: no.

PreventionGenetics, part of Exact Sciences
Classification: Likely benign for KCNT1-related condition. Last evaluated: 2024-07-25. Review status: no assertion criteria provided. Collection method: clinical testing. Allele origin: germline. Not counted in ClinVar's aggregate classification.
Comment: This variant is classified as likely benign based on ACMG/AMP sequence variant interpretation guidelines (Richards et al. 2015 PMID: 25741868, with internal and published modifications).

NM_020822.3(KCNT1):c.3157-8C>T

Gene: KCNT1 (potassium sodium-activated channel subfamily T member 1; plus strand). Cytogenetic location: 9q34.3.
Variant type: single nucleotide variant.
Coding change: c.3157-8C>T on transcript NM_020822.3 (MANE Select); 8 bases into the intron before coding-DNA position 3157, C replaced by T.
Molecular consequence: intron variant.
Genome position (GRCh38, 1-based): chr9:135,785,302, C>T. VCF-style: chr9-135785302-C-T. GRCh37 (hg19) VCF-style: chr9-138677148-C-T.
Other names: c.3022-8C>T (NM_001272003.2).
Identifiers: ClinVar variation 211242 (VCV000211242.25), dbSNP rs371874401, ClinGen allele CA206796.